The following is an entry in ClinVar:

ClinVar aggregate classification (germline): Uncertain significance (1 of 4 stars; one submission).

Submission:

Labcorp Genetics (formerly Invitae), Labcorp
Classification: Uncertain significance. Last evaluated: 2023-08-07. Review status: criteria provided, single submitter. Criteria: Invitae Variant Classification Sherloc (09022015). Collection method: clinical testing. Allele origin: germline.
Comment: This sequence change replaces threonine, which is neutral and polar, with serine, which is neutral and polar, at codon 981 of the MSH3 protein (p.Thr981Ser). This variant is not present in population databases (gnomAD no frequency). This variant has not been reported in the literature in individuals affected with MSH3-related conditions. An algorithm developed to predict the effect of missense changes on protein structure and function (PolyPhen-2) suggests that this variant is likely to be disruptive. In summary, the available evidence is currently insufficient to determine the role of this variant in disease. Therefore, it has been classified as a Variant of Uncertain Significance.

NM_002439.5(MSH3):c.2941A>T (p.Thr981Ser)

Gene: MSH3 (mutS homolog 3; plus strand). Cytogenetic location: 5q14.1.
Variant type: single nucleotide variant.
Coding change: c.2941A>T on transcript NM_002439.5 (MANE Select); coding-DNA position 2941, A replaced by T.
Protein change: p.Thr981Ser; replaces threonine 981 with serine.
Molecular consequence: missense variant.
Genome position (GRCh38, 1-based): chr5:80,854,257, A>T. VCF-style: chr5-80854257-A-T. GRCh37 (hg19) VCF-style: chr5-80150076-A-T.
Other names: short protein forms T981S.
Identifiers: ClinVar variation 2750857 (VCV002750857.3), dbSNP rs2478771876, ClinGen allele CA360275737.